The following is an entry in ClinVar:

ClinVar aggregate classification (germline): Uncertain significance (1 of 4 stars; one submission).

Conditions:
Hereditary cancer-predisposing syndrome. Also called: Hereditary neoplastic syndrome; Neoplastic Syndromes, Hereditary; Tumor predisposition; Hereditary Cancer Syndrome. Identifiers: Orphanet 140162, MedGen C0027672, MeSH D009386, MONDO:0015356.

Allele frequency attached by ClinVar (database versions not stated): gnomAD exomes below 0.00001.
gnomAD v4.1: 1 of 1,604,770 alleles (0.000062%); highest among the groups gnomAD compares: Admixed American, 0.0017%; no homozygotes.

Submission:

Ambry Genetics
Classification: Uncertain significance for Hereditary cancer-predisposing syndrome. Last evaluated: 2020-11-13. Review status: criteria provided, single submitter. Criteria: Ambry Variant Classification Scheme 2023. Collection method: clinical testing. Allele origin: germline.
Comment: The p.I11T variant (also known as c.32T>C), located in coding exon 1 of the CDKN2A gene, results from a T to C substitution at nucleotide position 32. The isoleucine at codon 11 is replaced by threonine, an amino acid with similar properties. This amino acid position is well conserved in available vertebrate species. In addition, the in silico prediction for this alteration is inconclusive. Since supporting evidence is limited at this time, the clinical significance of this alteration remains unclear.

NM_058195.4(CDKN2A):c.32T>C (p.Ile11Thr)

Gene: CDKN2A (cyclin dependent kinase inhibitor 2A; minus strand). Cytogenetic location: 9p21.3.
Variant type: single nucleotide variant.
Coding change: c.32T>C on transcript NM_058195.4 (MANE Plus Clinical); coding-DNA position 32, T replaced by C.
Protein change: p.Ile11Thr; replaces isoleucine 11 with threonine.
Molecular consequence: missense variant. On other transcripts: intron variant (1).
Genome position (GRCh38, 1-based): chr9:21,994,300, A>G on the plus strand (T>C on the coding strand, the complement: CDKN2A is on the minus strand). VCF-style: chr9-21994300-A-G. GRCh37 (hg19) VCF-style: chr9-21994299-A-G.
Other names: c.-4+521T>C (NM_001363763.2); short protein forms I11T.
Identifiers: ClinVar variation 1729963 (VCV001729963.2), dbSNP rs1820535713, ClinGen allele CA373087075.
Genomic context (GRCh38, chr9:21,994,300, plus strand): 5'-GTGAGCCGCGGGATGTGAACCACGAAAACCCTCACTCGCGGCGGGCCGCACGCGCGCCGA[A>G]TCCGGAGGGTCACCAAGAACCTGCGCACCATGTTCTCGCCGCCTCCAGGGCCGAGCTCGG-3'
Protein context (NP_478102.2, residues 1-21): MVRRFLVTLR[Ile11Thr]RRACGPPRVR